The following is an entry in ClinVar:

ClinVar aggregate classification (germline): Likely benign (1 of 4 stars; one submission).

Submission:

CeGaT Center for Human Genetics Tuebingen
Classification: Likely benign. Last evaluated: 2026-08-01. Review status: criteria provided, single submitter. Criteria: CeGaT Center For Human Genetics Tuebingen Variant Classification Criteria Version 2. Collection method: clinical testing. Allele origin: germline. Affected: yes. Observed: 25 variant alleles.
Comment: POU4F1: BS1

NM_006237.4(POU4F1):c.300CCA[10] (p.His108_Gln109insHis)

Genes: OBI1-AS1 (OBI1 antisense RNA 1; plus strand), POU4F1 (POU class 4 homeobox 1; minus strand). Cytogenetic location: 13q31.1.
Variant type: Microsatellite.
Coding change: c.300CCA[10] on transcript NM_006237.4 (MANE Select); ten copies in a row of the 3-base unit CCA starting at c.300; the reference has nine copies in a row; one copy, 3 bases duplicated.
Protein change: p.His108_Gln109insHis.
Molecular consequence: inframe insertion.
Genome position (GRCh38, 1-based): chr13:78,602,349-78,602,351, TGG duplicated on the plus strand (CCA on the coding strand, the reverse complement: POU4F1 is on the minus strand); duplicating any 3 consecutive bases within chr13:78,602,349-78,602,377 gives the same sequence; the position shown is the placement nearest the transcript's 3' end. VCF-style (leftmost placement, unchanged base first): chr13-78602348-C-CTGG. GRCh37 (hg19) VCF-style: chr13-79176483-C-CTGG.
Identifiers: ClinVar variation 2643870 (VCV002643870.24), dbSNP rs748551009, ClinGen allele CA7012598.